The following is an entry in ClinVar:

ClinVar aggregate classification (germline): Uncertain significance (0 of 4 stars; one submission).

Conditions:
NOTCH2-related disorder. Also called: NOTCH2-related condition.

Submission:

PreventionGenetics, part of Exact Sciences
Classification: Uncertain significance for NOTCH2-related condition. Last evaluated: 2024-07-17. Review status: no assertion criteria provided. Collection method: clinical testing. Allele origin: germline.
Comment: The NOTCH2 c.6137C>T variant is predicted to result in the amino acid substitution p.Pro2046Leu. To our knowledge, this variant has not been reported in the literature or in a large population database, indicating this variant is rare. At this time, the clinical significance of this variant is uncertain due to the absence of conclusive functional and genetic evidence.

NM_024408.4(NOTCH2):c.6137C>T (p.Pro2046Leu)

Gene: NOTCH2 (notch receptor 2; minus strand). Cytogenetic location: 1p12.
Variant type: single nucleotide variant.
Coding change: c.6137C>T on transcript NM_024408.4 (MANE Select); coding-DNA position 6137, C replaced by T.
Protein change: p.Pro2046Leu; replaces proline 2046 with leucine.
Molecular consequence: missense variant.
Genome position (GRCh38, 1-based): chr1:119,916,585, G>A on the plus strand (C>T on the coding strand, the complement: NOTCH2 is on the minus strand). VCF-style: chr1-119916585-G-A. GRCh37 (hg19) VCF-style: chr1-120459208-G-A.
Other names: short protein forms P2046L.
Identifiers: ClinVar variation 3356707 (VCV003356707.1).